The following is an entry in ClinVar:

NM_001366385.1(CARD14):c.2962G>A (p.Ala988Thr)

Genes: CARD14 (caspase recruitment domain family member 14; plus strand), SGSH (N-sulfoglucosamine sulfohydrolase; minus strand). Cytogenetic location: 17q25.3.
Variant type: single nucleotide variant.
Coding change: c.2962G>A on transcript NM_001366385.1 (MANE Select); coding-DNA position 2962, G replaced by A.
Protein change: p.Ala988Thr; replaces alanine 988 with threonine.
Molecular consequence: missense variant. On other transcripts: non-coding transcript variant (1).
Genome position (GRCh38, 1-based): chr17:80,208,292, G>A. VCF-style: chr17-80208292-G-A. GRCh37 (hg19) VCF-style: chr17-78182091-G-A.
Other names: c.2962G>A, p.Ala988Thr (NM_024110.4); short protein forms A988T.
Identifiers: ClinVar variation 1306391 (VCV001306391.2), dbSNP rs865867083, ClinGen allele CA294888695.
Genomic context (GRCh38, chr17:80,208,292, plus strand): 5'-AGCAGCCTGGCTCCTGACGGCTGGAGCGACCTGGACGGCCTGCTCAGCTGTGTCCGCCAG[G>A]CCATCGCCGACGAGCAGAAGAAGGTGGTGTGGACGGAGCAGAGCCCCCGATGATGCACCG-3'
Protein context (NP_001353314.1, residues 978-998): LDGLLSCVRQ[Ala988Thr]IADEQKKVVW

ClinVar aggregate classification (germline): Uncertain significance (1 of 4 stars; one submission).

Allele frequency attached by ClinVar (database versions not stated): gnomAD exomes below 0.00001.
gnomAD v4.1: 5 of 1,603,354 alleles (0.00031%); highest among the groups gnomAD compares: Non-Finnish European, 0.00043%; no homozygotes.

Submission:

GeneDx
Classification: Uncertain significance. Last evaluated: 2021-05-14. Review status: criteria provided, single submitter. Criteria: GeneDx Variant Classification Process June 2021. Collection method: clinical testing. Allele origin: germline. Affected: yes.
Comment: Not observed in large population cohorts (Lek et al., 2016); In silico analysis supports that this missense variant does not alter protein structure/function; Has not been previously published as pathogenic or benign to our knowledge